The following is an entry in ClinVar:

ClinVar aggregate classification (germline): Uncertain significance (1 of 4 stars; one submission).

Allele frequency attached by ClinVar (database versions not stated): gnomAD exomes below 0.00001.
gnomAD v4.1: 2 of 1,426,496 alleles (0.00014%); highest among the groups gnomAD compares: Non-Finnish European, 0.00018%; no homozygotes.

Submission:

Labcorp Genetics (formerly Invitae), Labcorp
Classification: Uncertain significance. Last evaluated: 2021-10-02. Review status: criteria provided, single submitter. Criteria: Invitae Variant Classification Sherloc (09022015). Collection method: clinical testing. Allele origin: germline.
Comment: This sequence change replaces alanine with valine at codon 20 of the ERBB2 protein (p.Ala20Val). The alanine residue is weakly conserved and there is a small physicochemical difference between alanine and valine. The frequency data for this variant in the population databases is considered unreliable, as metrics indicate insufficient coverage at this position in the ExAC database. In summary, the available evidence is currently insufficient to determine the role of this variant in disease. Therefore, it has been classified as a Variant of Uncertain Significance. Algorithms developed to predict the effect of missense changes on protein structure and function output the following: SIFT: "Tolerated"; PolyPhen-2: "Not Available"; Align-GVGD: "Class C0". The valine amino acid residue is found in multiple mammalian species, which suggests that this missense change does not adversely affect protein function. This variant has not been reported in the literature in individuals affected with ERBB2-related conditions.

NM_004448.4(ERBB2):c.59C>T (p.Ala20Val)

Gene: ERBB2 (erb-b2 receptor tyrosine kinase 2; plus strand). Cytogenetic location: 17q12.
Variant type: single nucleotide variant.
Coding change: c.59C>T on transcript NM_004448.4 (MANE Select); coding-DNA position 59, C replaced by T.
Protein change: p.Ala20Val; replaces alanine 20 with valine.
Molecular consequence: missense variant. On other transcripts: 5 prime UTR variant (1), non-coding transcript variant (1), intron variant (4).
Genome position (GRCh38, 1-based): chr17:39,700,297, C>T. VCF-style: chr17-39700297-C-T. GRCh37 (hg19) VCF-style: chr17-37856550-C-T.
Other names: c.59C>T, p.Ala20Val (NM_001289937.2, NM_001382784.1, NM_001382785.1 and 21 more transcripts); c.-157C>T (NM_001382783.1); c.-18+5116C>T (NM_001382782.1, NM_001005862.3, NM_001289938.2); c.28+710C>T (NM_001289936.2); short protein forms A20V.
Identifiers: ClinVar variation 1391589 (VCV001391589.6), dbSNP rs2145269846, ClinGen allele CA399266747.
Genomic context (GRCh38, chr17:39,700,297, plus strand): 5'-CCATGGAGCTGGCGGCCTTGTGCCGCTGGGGGCTCCTCCTCGCCCTCTTGCCCCCCGGAG[C>T]CGCGAGCACCCAAGGTGGGTCTGGTGTGGGGAGGGGACGGAGCAGCGGCGGGACCCTGCC-3'
Protein context (NP_004439.2, residues 10-30): GLLLALLPPG[Ala20Val]ASTQVCTGTD